The following is an entry in ClinVar:

NM_006904.7(PRKDC):c.1366G>A (p.Val456Met)

Gene: PRKDC (protein kinase, DNA-activated, catalytic subunit; minus strand). Cytogenetic location: 8q11.21.
Variant type: single nucleotide variant.
Coding change: c.1366G>A on transcript NM_006904.7 (MANE Select); coding-DNA position 1366, G replaced by A.
Protein change: p.Val456Met; replaces valine 456 with methionine.
Molecular consequence: missense variant.
Genome position (GRCh38, 1-based): chr8:47,935,813, C>T on the plus strand (G>A on the coding strand, the complement: PRKDC is on the minus strand). VCF-style: chr8-47935813-C-T. GRCh37 (hg19) VCF-style: chr8-48848373-C-T.
Other names: c.1366G>A, p.Val456Met (NM_001081640.2); short protein forms V456M.
Identifiers: ClinVar variation 1770934 (VCV001770934.2), dbSNP rs2551879550, ClinGen allele CA371165829.

ClinVar aggregate classification (germline): Uncertain significance (1 of 4 stars; one submission).

Submission:

Ambry Genetics
Classification: Uncertain significance. Last evaluated: 2022-09-13. Review status: criteria provided, single submitter. Criteria: Ambry Variant Classification Scheme 2023. Collection method: clinical testing. Allele origin: germline.
Comment: The p.V456M variant (also known as c.1366G>A), located in coding exon 13 of the PRKDC gene, results from a G to A substitution at nucleotide position 1366. The valine at codon 456 is replaced by methionine, an amino acid with highly similar properties. This amino acid position is conserved. In addition, this alteration is predicted to be tolerated by in silico analysis. Since supporting evidence is limited at this time, the clinical significance of this alteration remains unclear.